The following is an entry in ClinVar:

ClinVar aggregate classification (germline): Uncertain significance (1 of 4 stars; one submission).

Allele frequency attached by ClinVar (database versions not stated): gnomAD 0.00001; TOPMed 0.00001; ESP Exome Variant Server 0.00009.

Submission:

Labcorp Genetics (formerly Invitae), Labcorp
Classification: Uncertain significance. Last evaluated: 2024-02-01. Review status: criteria provided, single submitter. Criteria: Invitae Variant Classification Sherloc (09022015). Collection method: clinical testing. Allele origin: germline.
Comment: This sequence change replaces isoleucine, which is neutral and non-polar, with methionine, which is neutral and non-polar, at codon 888 of the RBM10 protein (p.Ile888Met). This variant is present in population databases (rs377461139, gnomAD 0.004%). This variant has not been reported in the literature in individuals affected with RBM10-related conditions. Advanced modeling of protein sequence and biophysical properties (such as structural, functional, and spatial information, amino acid conservation, physicochemical variation, residue mobility, and thermodynamic stability) performed at Invitae indicates that this missense variant is not expected to disrupt RBM10 protein function with a negative predictive value of 80%. In summary, the available evidence is currently insufficient to determine the role of this variant in disease. Therefore, it has been classified as a Variant of Uncertain Significance.

NM_005676.5(RBM10):c.2664C>G (p.Ile888Met)

Gene: RBM10 (RNA binding motif protein 10; plus strand). Cytogenetic location: Xp11.3.
Variant type: single nucleotide variant.
Coding change: c.2664C>G on transcript NM_005676.5 (MANE Select); coding-DNA position 2664, C replaced by G.
Protein change: p.Ile888Met; replaces isoleucine 888 with methionine.
Molecular consequence: missense variant.
Genome position (GRCh38, 1-based): chrX:47,186,384, C>G. VCF-style: chrX-47186384-C-G. GRCh37 (hg19) VCF-style: chrX-47045783-C-G.
Other names: c.2433C>G, p.Ile811Met (NM_001204466.2); c.2661C>G, p.Ile887Met (NM_001204467.2); c.2859C>G, p.Ile953Met (NM_001204468.2); c.2430C>G, p.Ile810Met (NM_152856.3); short protein forms I810M, I887M, I953M, I888M, I811M.
Identifiers: ClinVar variation 2789804 (VCV002789804.3), dbSNP rs377461139, ClinGen allele CA10395516.